The following is an entry in ClinVar:

NM_022786.3(ARV1):c.448+1G>T

Gene: ARV1 (ARV1 fatty acid homeostasis modulator; plus strand). Cytogenetic location: 1q42.2.
Variant type: single nucleotide variant.
Coding change: c.448+1G>T on transcript NM_022786.3 (MANE Select); the canonical splice donor site of the intron after coding-DNA position 448, G replaced by T.
Molecular consequence: splice donor variant.
Genome position (GRCh38, 1-based): chr1:230,990,264, G>T. VCF-style: chr1-230990264-G-T. GRCh37 (hg19) VCF-style: chr1-231126010-G-T.
Other names: c.448+1G>T (NM_001346992.2).
Identifiers: ClinVar variation 1066297 (VCV001066297.5), dbSNP rs868053135, ClinGen allele CA38903771.

ClinVar aggregate classification (germline): Likely pathogenic (1 of 4 stars; one submission).

Allele frequency attached by ClinVar (database versions not stated): gnomAD exomes below 0.00001.

Submission:

Labcorp Genetics (formerly Invitae), Labcorp
Classification: Likely pathogenic. Last evaluated: 2017-11-17. Review status: criteria provided, single submitter. Criteria: Invitae Variant Classification Sherloc (09022015). Collection method: clinical testing. Allele origin: germline.
Comment: This sequence change affects a donor splice site in intron 3 of the ARV1 gene. It is expected to disrupt RNA splicing and likely results in an absent or disrupted protein product. This variant is not present in population databases (ExAC no frequency). This variant has not been reported in the literature in individuals with ARV1-related disease. Donor and acceptor splice site variants typically lead to a loss of protein function (PMID: 16199547), and loss-of-function variants in ARV1 are known to be pathogenic (PMID: 27270415). In summary, the currently available evidence indicates that the variant is pathogenic, but additional data are needed to prove that conclusively. Therefore, this variant has been classified as Likely Pathogenic.

Literature cited by the submitters: PubMed 16199547; PubMed 27270415.